The following is an entry in ClinVar:

ClinVar aggregate classification (germline): Conflicting classifications of pathogenicity. Review status: criteria provided, conflicting classifications (1 of 4 stars). 6 submissions from 6 submitters: Uncertain significance (4); Benign (1). 1 of the submissions does not count toward it. Last evaluated 2026-02-04.

Conditions:
Joubert syndrome 14 (JBTS14). Identifiers: MedGen C3280766, MONDO:0013745, OMIM 614424.
TMEM237-related disorder. Also called: TMEM237-related condition.

Allele frequency attached by ClinVar (database versions not stated): 1000 Genomes Project 30x 0.00016; 1000 Genomes Project 0.00020; ExAC 0.00027; gnomAD 0.00048 and 0.00052; ESP Exome Variant Server 0.00050; TOPMed 0.00055.
gnomAD v4.1: 144 of 1,579,832 alleles (0.0091%); highest among the groups gnomAD compares: African/African-American, 0.17%; no homozygotes.

Submissions (6):

GeneDx
Classification: Uncertain significance. Last evaluated: 2026-02-04. Review status: criteria provided, single submitter. Criteria: GeneDx Variant Classification Process June 2021. Collection method: clinical testing. Allele origin: germline. Affected: yes.
Comment: In silico analysis suggests that this missense variant does not alter protein structure/function; Has not been previously published as pathogenic or benign to our knowledge

Blueprint Genetics
Classification: Benign. Last evaluated: 2024-08-28. Review status: criteria provided, single submitter. Criteria: ACMG Guidelines, 2015. Collection method: clinical testing. Allele origin: germline.

Fulgent Genetics
Classification: Uncertain significance for Joubert syndrome 14. Last evaluated: 2024-02-04. Review status: criteria provided, single submitter. Criteria: ACMG Guidelines, 2015. Collection method: clinical testing. Allele origin: germline.

Labcorp Genetics (formerly Invitae), Labcorp
Classification: Uncertain significance for Joubert syndrome 14. Last evaluated: 2022-09-13. Review status: criteria provided, single submitter. Criteria: Invitae Variant Classification Sherloc (09022015). Collection method: clinical testing. Allele origin: germline.
Comment: This sequence change replaces glutamine, which is neutral and polar, with arginine, which is basic and polar, at codon 84 of the TMEM237 protein (p.Gln84Arg). This variant is present in population databases (rs373811074, gnomAD 0.2%). This variant has not been reported in the literature in individuals affected with TMEM237-related conditions. ClinVar contains an entry for this variant (Variation ID: 844526). Advanced modeling of protein sequence and biophysical properties (such as structural, functional, and spatial information, amino acid conservation, physicochemical variation, residue mobility, and thermodynamic stability) performed at Invitae indicates that this missense variant is not expected to disrupt TMEM237 protein function. In summary, the available evidence is currently insufficient to determine the role of this variant in disease. Therefore, it has been classified as a Variant of Uncertain Significance.

Revvity Omics, Revvity
Classification: Uncertain significance for Joubert syndrome 14. Last evaluated: 2020-01-05. Review status: criteria provided, single submitter. Criteria: ACMG Guidelines, 2015. Collection method: clinical testing. Allele origin: germline.

PreventionGenetics, part of Exact Sciences
Classification: Likely benign for TMEM237-related condition. Last evaluated: 2022-02-18. Review status: no assertion criteria provided. Collection method: clinical testing. Allele origin: germline. Not counted in ClinVar's aggregate classification.
Comment: This variant is classified as likely benign based on ACMG/AMP sequence variant interpretation guidelines (Richards et al. 2015 PMID: 25741868, with internal and published modifications).

NM_001044385.3(TMEM237):c.251A>G (p.Gln84Arg)

Gene: TMEM237 (transmembrane protein 237; minus strand). Cytogenetic location: 2q33.1.
Variant type: single nucleotide variant.
Coding change: c.251A>G on transcript NM_001044385.3 (MANE Select); coding-DNA position 251, A replaced by G.
Protein change: p.Gln84Arg; replaces glutamine 84 with arginine.
Molecular consequence: missense variant.
Genome position (GRCh38, 1-based): chr2:201,636,771, T>C on the plus strand (A>G on the coding strand, the complement: TMEM237 is on the minus strand). VCF-style: chr2-201636771-T-C. GRCh37 (hg19) VCF-style: chr2-202501494-T-C.
Other names: c.227A>G, p.Gln76Arg (NM_152388.4); short protein forms Q76R, Q84R.
Identifiers: ClinVar variation 844526 (VCV000844526.16), dbSNP rs373811074, ClinGen allele CA2056543.